The following is an entry in ClinVar:

NM_002840.5(PTPRF):c.2538G>C (p.Leu846=)

Gene: PTPRF (protein tyrosine phosphatase receptor type F; plus strand). Cytogenetic location: 1p34.2.
Variant type: single nucleotide variant.
Coding change: c.2538G>C on transcript NM_002840.5 (MANE Select); coding-DNA position 2538, G replaced by C.
Protein change: p.Leu846=; no amino-acid change (leucine 846 retained).
Molecular consequence: synonymous variant. On other transcripts: intron variant (4).
Genome position (GRCh38, 1-based): chr1:43,603,690, G>C. VCF-style: chr1-43603690-G-C. GRCh37 (hg19) VCF-style: chr1-44069361-G-C.
Other names: c.2511G>C, p.Leu837= (NM_130440.4); c.2182+157G>C (NM_001329138.2); c.2170+157G>C (NM_001329137.2); c.2152+157G>C (NM_001329139.2); c.2125+157G>C (NM_001329140.2).
Identifiers: ClinVar variation 3038762 (VCV003038762.2), dbSNP rs371712672, ClinGen allele CA812521.

ClinVar aggregate classification (germline): Likely benign (0 of 4 stars; one submission).

Conditions:
PTPRF-related disorder. Also called: PTPRF-related condition.

Allele frequency attached by ClinVar (database versions not stated): ExAC 0.00007; gnomAD exomes 0.00008; gnomAD 0.00013; ESP Exome Variant Server 0.00015; TOPMed 0.00019.
gnomAD v4.1: 147 of 1,613,614 alleles (0.0091%); highest among the groups gnomAD compares: African/African-American, 0.035%; no homozygotes.

Submission:

PreventionGenetics, part of Exact Sciences
Classification: Likely benign for PTPRF-related condition. Last evaluated: 2019-05-23. Review status: no assertion criteria provided. Collection method: clinical testing. Allele origin: germline.
Comment: This variant is classified as likely benign based on ACMG/AMP sequence variant interpretation guidelines (Richards et al. 2015 PMID: 25741868, with internal and published modifications).